The following is an entry in ClinVar:

NM_020843.4(SCAPER):c.3303C>T (p.Asp1101=)

Genes: SCAPER (S-phase cyclin A associated protein in the ER; minus strand), LOC126862183 (BRD4-independent group 4 enhancer GRCh37_chr15:76726060-76727259; plus strand). Cytogenetic location: 15q24.3.
Variant type: single nucleotide variant.
Coding change: c.3303C>T on transcript NM_020843.4 (MANE Select); coding-DNA position 3303, C replaced by T.
Protein change: p.Asp1101=; no amino-acid change (aspartic acid 1101 retained).
Molecular consequence: synonymous variant. On other transcripts: non-coding transcript variant (1).
Genome position (GRCh38, 1-based): chr15:76,434,086, G>A on the plus strand (C>T on the coding strand, the complement: SCAPER is on the minus strand). VCF-style: chr15-76434086-G-A. GRCh37 (hg19) VCF-style: chr15-76726427-G-A.
Other names: c.2565C>T, p.Asp855= (NM_001145923.2); c.3321C>T, p.Asp1107= (NM_001353009.2); c.2901C>T, p.Asp967= (NM_001353010.2, NM_001353012.2); c.2919C>T, p.Asp973= (NM_001353011.2).
Identifiers: ClinVar variation 4989883 (VCV004989883.1).

ClinVar aggregate classification (germline): Likely benign (1 of 4 stars; one submission).

Conditions:
SCAPER-related disorder. Also called: SCAPER-related condition.

gnomAD v4.1: 5 of 1,612,912 alleles (0.00031%); highest among the groups gnomAD compares: Admixed American, 0.0067%; no homozygotes.

Submission:

PreventionGenetics, part of Exact Sciences
Classification: Likely benign for SCAPER-related condition. Last evaluated: 2024-12-03. Review status: criteria provided, single submitter. Criteria: ACMG Guidelines, 2015. Collection method: clinical testing. Allele origin: germline.
Comment: This variant is classified as likely benign based on ACMG/AMP sequence variant interpretation guidelines (Richards et al. 2015 PMID: 25741868, with internal and published modifications).